The following is an entry in ClinVar:

NM_020937.4(FANCM):c.1806G>T (p.Gln602His)

Gene: FANCM (FA complementation group M; plus strand). Cytogenetic location: 14q21.2.
Variant type: single nucleotide variant.
Coding change: c.1806G>T on transcript NM_020937.4 (MANE Select); coding-DNA position 1806, G replaced by T.
Protein change: p.Gln602His; replaces glutamine 602 with histidine.
Molecular consequence: missense variant.
Genome position (GRCh38, 1-based): chr14:45,166,967, G>T. VCF-style: chr14-45166967-G-T. GRCh37 (hg19) VCF-style: chr14-45636170-G-T.
Other names: c.1728G>T, p.Gln576His (NM_001308133.2); c.1806G>T, p.Gln602His (NM_001308134.2); short protein forms Q576H, Q602H.
Identifiers: ClinVar variation 4721640 (VCV004721640.1).

ClinVar aggregate classification (germline): Uncertain significance (1 of 4 stars; one submission).

Conditions:
Fanconi anemia (FA). Also called: Fanconi's anemia. Identifiers: Orphanet 84, MedGen C0015625, MeSH D005199, MONDO:0019391.

Submission:

Labcorp Genetics (formerly Invitae), Labcorp
Classification: Uncertain significance for Fanconi anemia. Last evaluated: 2025-06-18. Review status: criteria provided, single submitter. Criteria: Invitae Variant Classification Sherloc (09022015). Collection method: clinical testing. Allele origin: germline.
Comment: This sequence change replaces glutamine, which is neutral and polar, with histidine, which is basic and polar, at codon 602 of the FANCM protein (p.Gln602His). This variant is not present in population databases (gnomAD no frequency). This variant has not been reported in the literature in individuals affected with FANCM-related conditions. An algorithm developed to predict the effect of missense changes on protein structure and function (PolyPhen-2) suggests that this variant is likely to be tolerated. In summary, the available evidence is currently insufficient to determine the role of this variant in disease. Therefore, it has been classified as a Variant of Uncertain Significance.